The following is an entry in ClinVar:

ClinVar aggregate classification (germline): Uncertain significance (1 of 4 stars; one submission).

Conditions:
Rhabdoid tumor predisposition syndrome 2 (RTPS2). Identifiers: Orphanet 231108, Orphanet 69077, MedGen C2750074, MONDO:0013224, OMIM 613325.

Submission:

Labcorp Genetics (formerly Invitae), Labcorp
Classification: Uncertain significance for Rhabdoid tumor predisposition syndrome 2. Last evaluated: 2025-04-01. Review status: criteria provided, single submitter. Criteria: Invitae Variant Classification Sherloc (09022015). Collection method: clinical testing. Allele origin: germline.
Comment: This sequence change falls in intron 4 of the SMARCA4 gene. It does not directly change the encoded amino acid sequence of the SMARCA4 protein. This variant is not present in population databases (gnomAD no frequency). This variant has not been reported in the literature in individuals affected with SMARCA4-related conditions. Algorithms developed to predict the effect of sequence changes on RNA splicing suggest that this variant may disrupt the consensus splice site. In summary, the available evidence is currently insufficient to determine the role of this variant in disease. Therefore, it has been classified as a Variant of Uncertain Significance.

NM_003072.5(SMARCA4):c.761-5T>A

Gene: SMARCA4 (SWI/SNF related BAF chromatin remodeling complex subunit ATPase 4; plus strand). Cytogenetic location: 19p13.2.
Variant type: single nucleotide variant.
Coding change: c.761-5T>A on transcript NM_003072.5 (MANE Select); 5 bases into the intron before coding-DNA position 761, T replaced by A.
Molecular consequence: intron variant.
Genome position (GRCh38, 1-based): chr19:10,986,900, T>A. VCF-style: chr19-10986900-T-A. GRCh37 (hg19) VCF-style: chr19-11097576-T-A.
Other names: c.761-5T>A (NM_001128844.3, NM_001128849.3, NM_001128847.4 and 6 more transcripts).
Identifiers: ClinVar variation 4716470 (VCV004716470.1).